The following is an entry in ClinVar:

NM_001267550.2(TTN):c.31402C>T (p.Gln10468Ter)

Gene: TTN (titin; minus strand). Cytogenetic location: 2q31.2.
Variant type: single nucleotide variant.
Coding change: c.31402C>T on transcript NM_001267550.2 (MANE Select); coding-DNA position 31402, C replaced by T.
Protein change: p.Gln10468Ter; replaces glutamine 10468 with a stop codon.
Molecular consequence: nonsense. On other transcripts: intron variant (3).
Genome position (GRCh38, 1-based): chr2:178,694,623, G>A on the plus strand (C>T on the coding strand, the complement: TTN is on the minus strand). VCF-style: chr2-178694623-G-A. GRCh37 (hg19) VCF-style: chr2-179559350-G-A.
Other names: c.30451C>T, p.Gln10151Ter (NM_001256850.1); c.27670C>T, p.Gln9224Ter (NM_133378.4); c.13282+43459C>T (NM_003319.4); c.13858+43459C>T (NM_133437.4); c.13657+43459C>T (NM_133432.3); short protein forms Q10151*, Q10468*, Q9224*.
Identifiers: ClinVar variation 2684088 (VCV002684088.4), dbSNP rs1005082526, ClinGen allele CA60991652.

ClinVar aggregate classification (germline): Conflicting classifications of pathogenicity. Review status: criteria provided, conflicting classifications (1 of 4 stars). 2 submissions from 2 submitters: Likely pathogenic (1); Uncertain significance (1). Last evaluated 2023-11-24.

Conditions:
Dilated cardiomyopathy 1G (CMD1G). Identifiers: Orphanet 154, MedGen C1858763, MONDO:0011400, OMIM 604145.
Autosomal recessive limb-girdle muscular dystrophy type 2J (LGMDR10). Also called: MUSCULAR DYSTROPHY, LIMB-GIRDLE, AUTOSOMAL RECESSIVE 10; Limb-girdle muscular dystrophy, type 2J. Identifiers: Orphanet 140922, MedGen C1837342, MONDO:0012127, OMIM 608807.

gnomAD v4.1: 1 of 1,559,742 alleles (0.000064%); highest among the groups gnomAD compares: Non-Finnish European, 0.000087%; no homozygotes.

Submissions (2):

Labcorp Genetics (formerly Invitae), Labcorp
Classification: Likely pathogenic for Dilated cardiomyopathy 1G; Autosomal recessive limb-girdle muscular dystrophy type 2J. Last evaluated: 2023-11-24. Review status: criteria provided, single submitter. Criteria: Invitae Variant Classification Sherloc (09022015). Collection method: clinical testing. Allele origin: germline.
Comment: This sequence change creates a premature translational stop signal (p.Gln10468*) in the TTN gene. While this is not anticipated to result in nonsense mediated decay, it is expected to create a truncated TTN protein. This variant is not present in population databases (gnomAD no frequency). This variant has not been reported in the literature in individuals affected with TTN-related conditions. Algorithms developed to predict the effect of sequence changes on RNA splicing suggest that this variant may disrupt the consensus splice site. This variant is located in the I band of TTN (PMID: 25589632). Truncating variants in this region have been reported in individuals affected with autosomal recessive centronuclear myopathy (PMID: 23975875). Truncating variants in this region have also been identified in individuals affected with autosomal dominant dilated cardiomyopathy and/or cardio-related conditions (PMID: 27869827, 32964742). In summary, the currently available evidence indicates that the variant is pathogenic, but additional data are needed to prove that conclusively. Therefore, this variant has been classified as Likely Pathogenic.

Athena Diagnostics
Classification: Uncertain significance. Last evaluated: 2023-08-18. Review status: criteria provided, single submitter. Criteria: Athena Diagnostics Criteria. Collection method: clinical testing. Allele origin: unknown.
Comment: Available data are insufficient to determine the clinical significance of the variant at this time. This variant occurs in the I-band of the TTN gene, and is a nonsense variant in three main isoforms (major cardiac long isoform: NM_001256850.1, major skeletal muscle long isoform: NM_133378.4, and the inferred complete isoform: NM_001267550.1). There is an enrichment of premature termination variants compared to the general population in the A-band of the TTN gene in individuals with cardiomyopathy, and in the M-band in individuals with muscular dystrophy (PMID: 26473617). Premature termination variants have also been reported in the I-band of the TTN gene in individuals with titinopathies (PMID: 23975875, 25957634, 27625338, 27869827). Additionally, premature termination variants throughout the TTN gene have also been found in healthy individuals (PMID: 25589632). This variant has not been reported in large, multi-ethnic general populations.

Literature cited by the submitters: PubMed 25589632 (cited by Labcorp Genetics (formerly Invitae), Labcorp); PubMed 23975875 (cited by Labcorp Genetics (formerly Invitae), Labcorp); PubMed 27869827 (cited by Labcorp Genetics (formerly Invitae), Labcorp); PubMed 32964742 (cited by Labcorp Genetics (formerly Invitae), Labcorp).